The following is an entry in ClinVar:

NM_033026.6(PCLO):c.11060C>T (p.Pro3687Leu)

Gene: PCLO (piccolo presynaptic cytomatrix protein; minus strand). Cytogenetic location: 7q21.11.
Variant type: single nucleotide variant.
Coding change: c.11060C>T on transcript NM_033026.6 (MANE Select); coding-DNA position 11060, C replaced by T.
Protein change: p.Pro3687Leu; replaces proline 3687 with leucine.
Molecular consequence: missense variant.
Genome position (GRCh38, 1-based): chr7:82,949,528, G>A on the plus strand (C>T on the coding strand, the complement: PCLO is on the minus strand). VCF-style: chr7-82949528-G-A. GRCh37 (hg19) VCF-style: chr7-82578844-G-A.
Other names: c.11060C>T, p.Pro3687Leu (NM_014510.3); short protein forms P3687L.
Identifiers: ClinVar variation 1915739 (VCV001915739.4), dbSNP rs764535197, ClinGen allele CA367900380.
Genomic context (GRCh38, chr7:82,949,528, plus strand): 5'-ACTCTTACCGTATAGCCCTCGGTATACTGAAAAGGAGCCCTGGAACTTTCGTCTGCTGTT[G>A]GACTCAGAGGCTTGGGGTCAGACATAGAACGCTGCATCATCTTGGCTGTCTTAGGACTTG-3'
Protein context (NP_149015.2, residues 3677-3697): RSMSDPKPLS[Pro3687Leu]TADESSRAPF

ClinVar aggregate classification (germline): Uncertain significance (1 of 4 stars; one submission).

Allele frequency attached by ClinVar (database versions not stated): TOPMed below 0.00001.
gnomAD v4.1: 5 of 1,613,106 alleles (0.00031%); highest among the groups gnomAD compares: Non-Finnish European, 0.00034%; no homozygotes.

Submission:

Labcorp Genetics (formerly Invitae), Labcorp
Classification: Uncertain significance. Last evaluated: 2023-06-13. Review status: criteria provided, single submitter. Criteria: Invitae Variant Classification Sherloc (09022015). Collection method: clinical testing. Allele origin: germline.
Comment: This variant has not been reported in the literature in individuals affected with PCLO-related conditions. This sequence change replaces proline, which is neutral and non-polar, with leucine, which is neutral and non-polar, at codon 3687 of the PCLO protein (p.Pro3687Leu). This variant is present in population databases (no rsID available, gnomAD 0.002%). ClinVar contains an entry for this variant (Variation ID: 1915739). Experimental studies and prediction algorithms are not available or were not evaluated, and the functional significance of this variant is currently unknown. In summary, the available evidence is currently insufficient to determine the role of this variant in disease. Therefore, it has been classified as a Variant of Uncertain Significance.